The following is an entry in ClinVar:

ClinVar aggregate classification (germline): Likely pathogenic (1 of 4 stars; one submission).

Conditions:
Mucolipidosis type II. Also called: ML II ALPHA/BETA; Mucolipidosis 2; ML 2; Inclusion cell disease; Leroy Disease; N-acetylglucosamine 1phosphotransferase deficiency. Identifiers: Orphanet 576, MedGen C2673377, MONDO:0009650, OMIM 252500.

Submission:

Natera, Inc.
Classification: Likely pathogenic for Mucolipidosis type II. Last evaluated: 2025-07-24. Review status: criteria provided, single submitter. Criteria: Natera Variant Classification Schema (03/2026). Collection method: clinical testing. Allele origin: germline.
Comment: The c.2660_2663dup variant in GNPTAB is a frameshift variant predicted to shift the reading frame and introduce a stop codon. This variant is expected to result in nonsense mediated decay, truncation, or a dysfunctional protein product. This variant is rare in the general population with a frequency below the threshold expected for the associated phenotype(s). Given the available evidence, this variant is classified as Likely Pathogenic.

NM_024312.5(GNPTAB):c.2660_2663dup (p.Tyr888Ter)

Gene: GNPTAB (N-acetylglucosamine-1-phosphate transferase subunits alpha and beta; minus strand). Cytogenetic location: 12q23.2.
Variant type: Duplication.
Coding change: c.2660_2663dup on transcript NM_024312.5 (MANE Select); coding-DNA positions 2660 to 2663, 4 bases duplicated (GTTA; older notation c.2660_2663dupGTTA).
Protein change: p.Tyr888Ter; replaces tyrosine 888 with a stop codon.
Molecular consequence: nonsense.
Genome position (GRCh38, 1-based): chr12:101,764,254-101,764,257, TAAC duplicated on the plus strand (GTTA on the coding strand, the reverse complement: GNPTAB is on the minus strand); duplicating any 4 consecutive bases within chr12:101,764,254-101,764,259 gives the same sequence; the c. name uses the placement nearest the transcript's 3' end. VCF-style (leftmost placement, unchanged base first): chr12-101764253-G-GTAAC. GRCh37 (hg19) VCF-style: chr12-102158031-G-GTAAC.
Other names: short protein forms Y888*.
Identifiers: ClinVar variation 4816145 (VCV004816145.1).